The following is an entry in ClinVar:

ClinVar aggregate classification (germline): Uncertain significance (1 of 4 stars; one submission).

Submission:

Labcorp Genetics (formerly Invitae), Labcorp
Classification: Uncertain significance. Last evaluated: 2022-12-13. Review status: criteria provided, single submitter. Criteria: Invitae Variant Classification Sherloc (09022015). Collection method: clinical testing. Allele origin: germline.
Comment: This variant has not been reported in the literature in individuals affected with ALPK1-related conditions. In summary, the available evidence is currently insufficient to determine the role of this variant in disease. Therefore, it has been classified as a Variant of Uncertain Significance. Advanced modeling of protein sequence and biophysical properties (such as structural, functional, and spatial information, amino acid conservation, physicochemical variation, residue mobility, and thermodynamic stability) performed at Invitae indicates that this missense variant is not expected to disrupt ALPK1 protein function. This variant is not present in population databases (gnomAD no frequency). This sequence change replaces serine, which is neutral and polar, with proline, which is neutral and non-polar, at codon 94 of the ALPK1 protein (p.Ser94Pro).

NM_025144.4(ALPK1):c.280T>C (p.Ser94Pro)

Gene: ALPK1 (alpha kinase 1; plus strand). Cytogenetic location: 4q25.
Variant type: single nucleotide variant.
Coding change: c.280T>C on transcript NM_025144.4 (MANE Select); coding-DNA position 280, T replaced by C.
Protein change: p.Ser94Pro; replaces serine 94 with proline.
Molecular consequence: missense variant.
Genome position (GRCh38, 1-based): chr4:112,411,830, T>C. VCF-style: chr4-112411830-T-C. GRCh37 (hg19) VCF-style: chr4-113332986-T-C.
Other names: c.280T>C, p.Ser94Pro (NM_001102406.2); c.46T>C, p.Ser16Pro (NM_001253884.2); short protein forms S16P, S94P.
Identifiers: ClinVar variation 2820566 (VCV002820566.3), dbSNP rs2476467700, ClinGen allele CA357990450.
Genomic context (GRCh38, chr4:112,411,830, plus strand): 5'-GCCCTCAGCCTGCCAGCGTTTCCGCCTGGCTCACGATGTTCCACGCTGTTCCTCCAGGCG[T>C]CCCTGAGGGCCTCCATCCTCGCTCGGGACTGTGCGGCTGCGGCGGCTATTGTGTTCTTGG-3'
Protein context (NP_079420.3, residues 84-104): IGAGLQQLLA[Ser94Pro]LRASILARDC